The following is an entry in ClinVar:

NM_000038.6(APC):c.6524C>A (p.Thr2175Lys)

Gene: APC (APC regulator of Wnt signaling pathway; plus strand). Cytogenetic location: 5q22.2.
Variant type: single nucleotide variant.
Coding change: c.6524C>A on transcript NM_000038.6 (MANE Select); coding-DNA position 6524, C replaced by A.
Protein change: p.Thr2175Lys; replaces threonine 2175 with lysine.
Molecular consequence: missense variant. On other transcripts: non-coding transcript variant (2).
Genome position (GRCh38, 1-based): chr5:112,842,118, C>A. VCF-style: chr5-112842118-C-A. GRCh37 (hg19) VCF-style: chr5-112177815-C-A.
Other names: c.6524C>A, p.Thr2175Lys (NM_001127510.3, NM_001354895.2, NM_001407450.1); c.6470C>A, p.Thr2157Lys (NM_001127511.3); c.6578C>A, p.Thr2193Lys (NM_001354896.2, NM_001407447.1, NM_001407448.1 and 1 more transcripts); c.6554C>A, p.Thr2185Lys (NM_001354897.2); c.6449C>A, p.Thr2150Lys (NM_001354898.2); c.6440C>A, p.Thr2147Lys (NM_001354899.2); c.6401C>A, p.Thr2134Lys (NM_001354900.2); c.6347C>A, p.Thr2116Lys (NM_001354901.2, NM_001407453.1); and 11 more; short protein forms T2134K, T2165K, T2193K, T1791K, T2015K, T2049K, T2084K, T2168K.
Identifiers: ClinVar variation 2567030 (VCV002567030.2), dbSNP rs1561607962, ClinGen allele CA16035603.

ClinVar aggregate classification (germline): Uncertain significance (1 of 4 stars; one submission).

Conditions:
Hereditary cancer-predisposing syndrome. Also called: Hereditary neoplastic syndrome; Hereditary Cancer Syndrome; Neoplastic Syndromes, Hereditary; Tumor predisposition. Identifiers: Orphanet 140162, MedGen C0027672, MeSH D009386, MONDO:0015356.

Submission:

Ambry Genetics
Classification: Uncertain significance for Hereditary cancer-predisposing syndrome. Last evaluated: 2023-05-09. Review status: criteria provided, single submitter. Criteria: Ambry Variant Classification Scheme 2023. Collection method: clinical testing. Allele origin: germline.
Comment: The p.T2175K variant (also known as c.6524C>A), located in coding exon 15 of the APC gene, results from a C to A substitution at nucleotide position 6524. The threonine at codon 2175 is replaced by lysine, an amino acid with similar properties. This amino acid position is conserved. In addition, in silico predictors for this gene do not accurately predict pathogenicity. Since supporting evidence is limited at this time, the clinical significance of this alteration remains unclear.